The following is an entry in ClinVar:

NM_004817.4(TJP2):c.584G>A (p.Arg195Gln)

Gene: TJP2 (tight junction protein 2; plus strand). Cytogenetic location: 9q21.11.
Variant type: single nucleotide variant.
Coding change: c.584G>A on transcript NM_004817.4 (MANE Select); coding-DNA position 584, G replaced by A.
Protein change: p.Arg195Gln; replaces arginine 195 with glutamine.
Molecular consequence: missense variant.
Genome position (GRCh38, 1-based): chr9:69,221,128, G>A. VCF-style: chr9-69221128-G-A. GRCh37 (hg19) VCF-style: chr9-71836044-G-A.
Other names: c.515G>A, p.Arg172Gln (NM_001170414.2, NM_001369870.1, NM_001369871.1); c.596G>A, p.Arg199Gln (NM_001170415.1, NM_001369874.1, NM_001369875.1); c.677G>A, p.Arg226Gln (NM_001170416.2); c.584G>A, p.Arg195Gln (NM_001369872.1, NM_001369873.1, NM_201629.3); short protein forms R199Q, R172Q, R195Q, R226Q.
Identifiers: ClinVar variation 4987602 (VCV004987602.1).
Genomic context (GRCh38, chr9:69,221,128, plus strand): 5'-CGGAAAGGGGGCGTCCCCATGAGCGGGCCCGGAGCCGGGAGCGGGACCTCAGCCGGGACC[G>A]GAGCCGTGGCCGGAGCCTGGAGCGGGGCCTGGACCAAGACCATGCGCGCACCCGAGACCG-3'
Protein context (NP_004808.2, residues 185-205): RSRERDLSRD[Arg195Gln]SRGRSLERGL

ClinVar aggregate classification (germline): Uncertain significance (1 of 4 stars; one submission).

Conditions:
TJP2-related disorder. Also called: TJP2-related condition.

Submission:

PreventionGenetics, part of Exact Sciences
Classification: Uncertain significance for TJP2-related condition. Last evaluated: 2025-12-12. Review status: criteria provided, single submitter. Criteria: ACMG Guidelines, 2015. Collection method: clinical testing. Allele origin: germline.
Comment: The TJP2 c.584G>A variant is predicted to result in the amino acid substitution p.Arg195Gln. To our knowledge, this variant has not been reported in the literature. This variant is absent from one large public population database (gnomAD), indicating that this variant is rare in the general population. At this time, the clinical significance of this variant is uncertain due to the absence of conclusive functional and genetic evidence.